The following is an entry in ClinVar:

NM_001142800.2(EYS):c.786dup (p.His263fs)

Gene: EYS (EGF-like photoreceptor maintenance factor; minus strand). Cytogenetic location: 6q12.
Variant type: Duplication.
Coding change: c.786dup on transcript NM_001142800.2 (MANE Select); coding-DNA position 786, one base duplicated (A; older notation c.786dupA).
Protein change: p.His263fs; shifts the reading frame from histidine 263.
Molecular consequence: frameshift variant.
Genome position (GRCh38, 1-based): chr6:65,490,670, T duplicated on the plus strand (A on the coding strand, the reverse complement: EYS is on the minus strand). VCF-style (leftmost placement, unchanged base first): chr6-65490669-G-GT. GRCh37 (hg19) VCF-style: chr6-66200562-G-GT.
Other names: c.786dup, p.His263fs (NM_001142801.2, NM_001292009.2, NM_198283.2); short protein forms H263fs.
Identifiers: ClinVar variation 865953 (VCV000865953.10), dbSNP rs1766009155, ClinGen allele CA916082873.

ClinVar aggregate classification (germline): Pathogenic. Review status: criteria provided, multiple submitters, no conflicts (2 of 4 stars). 3 submissions from 3 submitters: Pathogenic (3). Last evaluated 2026-01-22.

Conditions:
Retinitis pigmentosa 25 (RP25). Identifiers: Orphanet 791, MedGen C1864446, MONDO:0011272, OMIM 602772.
EYS-related disorder. Also called: EYS-related condition.

Submissions (3):

Myriad Genetics, Inc.
Classification: Pathogenic for Retinitis pigmentosa 25. Last evaluated: 2026-01-22. Review status: criteria provided, single submitter. Criteria: Myriad Autosomal Dominant, Autosomal Recessive and X-Linked Classification Criteria (2023). Collection method: clinical testing. Allele origin: unknown.
Comment: NM_001142800.1(EYS):c.786dupA(H263Tfs*15) is a frameshift variant classified as pathogenic in the context of retinitis pigmentosa, EYS-related. H263Tfs*15 has not been observed in cases with relevant disease. Relevant functional assessments of this variant are not available in the literature. H263Tfs*15 has not been observed in referenced population frequency databases. In summary, NM_001142800.1(EYS):c.786dupA(H263Tfs*15) is a frameshift variant in a gene where loss of function is a known mechanism of disease and is predicted to disrupt protein function. Please note: this variant was assessed in the context of healthy population screening.

Labcorp Genetics (formerly Invitae), Labcorp
Classification: Pathogenic. Last evaluated: 2024-11-11. Review status: criteria provided, single submitter. Criteria: Invitae Variant Classification Sherloc (09022015). Collection method: clinical testing. Allele origin: germline.
Comment: This sequence change creates a premature translational stop signal (p.His263Thrfs*15) in the EYS gene. It is expected to result in an absent or disrupted protein product. Loss-of-function variants in EYS are known to be pathogenic (PMID: 18836446, 20333770). This variant is not present in population databases (gnomAD no frequency). This variant has not been reported in the literature in individuals affected with EYS-related conditions. ClinVar contains an entry for this variant (Variation ID: 865953). For these reasons, this variant has been classified as Pathogenic.

Blueprint Genetics
Classification: Pathogenic for EYS-related disorders. Last evaluated: 2021-10-12. Review status: criteria provided, single submitter. Criteria: ACMG Guidelines, 2015. Collection method: clinical testing. Allele origin: germline. Affected: yes. Observed: 2 variant alleles.

Literature cited by the submitters: PubMed 18836446 (cited by Labcorp Genetics (formerly Invitae), Labcorp); PubMed 20333770 (cited by Labcorp Genetics (formerly Invitae), Labcorp).